The following is an entry in ClinVar:

ClinVar aggregate classification (germline): Uncertain significance. Review status: criteria provided, multiple submitters, no conflicts (2 of 4 stars). 2 submissions from 2 submitters: Uncertain significance (2). Last evaluated 2023-09-26.

Conditions:
Hereditary cancer-predisposing syndrome. Also called: Neoplastic Syndromes, Hereditary; Tumor predisposition; Hereditary Cancer Syndrome; Hereditary neoplastic syndrome. Identifiers: Orphanet 140162, MedGen C0027672, MeSH D009386, MONDO:0015356.
Multiple endocrine neoplasia, type 2 (MEN2). Identifiers: Orphanet 653, MedGen C4048306, MONDO:0019003. Disease mechanism: gain of function.

gnomAD v4.1: 1 of 1,608,178 alleles (0.000062%); no homozygotes.

Submissions (2):

Labcorp Genetics (formerly Invitae), Labcorp
Classification: Uncertain significance for Multiple endocrine neoplasia, type 2. Last evaluated: 2023-09-26. Review status: criteria provided, single submitter. Criteria: Invitae Variant Classification Sherloc (09022015). Collection method: clinical testing. Allele origin: germline.
Comment: In summary, the available evidence is currently insufficient to determine the role of this variant in disease. Therefore, it has been classified as a Variant of Uncertain Significance. An algorithm developed to predict the effect of missense changes on protein structure and function (PolyPhen-2) suggests that this variant is likely to be tolerated. ClinVar contains an entry for this variant (Variation ID: 1757914). This variant has not been reported in the literature in individuals affected with RET-related conditions. This variant is not present in population databases (gnomAD no frequency). This sequence change replaces valine, which is neutral and non-polar, with leucine, which is neutral and non-polar, at codon 242 of the RET protein (p.Val242Leu).

Ambry Genetics
Classification: Uncertain significance for Hereditary cancer-predisposing syndrome. Last evaluated: 2017-10-19. Review status: criteria provided, single submitter. Criteria: Ambry Variant Classification Scheme 2023. Collection method: clinical testing. Allele origin: germline.
Comment: The p.V242L variant (also known as c.724G>C), located in coding exon 4 of the RET gene, results from a G to C substitution at nucleotide position 724. The valine at codon 242 is replaced by leucine, an amino acid with highly similar properties. This amino acid position is poorly conserved in available vertebrate species. In addition, this alteration is predicted to be tolerated by in silico analysis. Since supporting evidence is limited at this time, the clinical significance of this alteration remains unclear.

NM_020975.6(RET):c.724G>C (p.Val242Leu)

Gene: RET (ret proto-oncogene; plus strand). Cytogenetic location: 10q11.21.
Variant type: single nucleotide variant.
Coding change: c.724G>C on transcript NM_020975.6 (MANE Select); coding-DNA position 724, G replaced by C.
Protein change: p.Val242Leu; replaces valine 242 with leucine.
Molecular consequence: missense variant.
Genome position (GRCh38, 1-based): chr10:43,105,050, G>C. VCF-style: chr10-43105050-G-C. GRCh37 (hg19) VCF-style: chr10-43600498-G-C.
Other names: c.724G>C, p.Val242Leu (NM_000323.2, NM_001406743.1, NM_001406744.1 and 8 more transcripts); c.-39G>C (NM_001355216.2); c.595G>C, p.Val199Leu (NM_001406761.1, NM_001406762.1, NM_001406764.1 and 2 more transcripts); c.436G>C, p.Val146Leu (NM_001406766.1, NM_001406767.1, NM_001406770.1); short protein forms V199L, V242L, V146L.
Identifiers: ClinVar variation 1757914 (VCV001757914.5), dbSNP rs1264337497, ClinGen allele CA376544736.